The following is an entry in ClinVar:

ClinVar aggregate classification (germline): Uncertain significance (1 of 4 stars; one submission).

Submission:

GeneDx
Classification: Uncertain significance. Last evaluated: 2026-02-09. Review status: criteria provided, single submitter. Criteria: GeneDx Variant Classification Process June 2021. Collection method: clinical testing. Allele origin: germline.
Comment: Not observed at significant frequency in large population cohorts (gnomAD); In silico analysis suggests that this missense variant does not alter protein structure/function; Has not been previously published as pathogenic or benign to our knowledge

NM_003491.4(NAA10):c.700G>A (p.Ala234Thr)

Gene: NAA10 (N-alpha-acetyltransferase 10, NatA catalytic subunit; minus strand). Cytogenetic location: Xq28.
Variant type: single nucleotide variant.
Coding change: c.700G>A on transcript NM_003491.4 (MANE Select); coding-DNA position 700, G replaced by A.
Protein change: p.Ala234Thr; replaces alanine 234 with threonine.
Molecular consequence: missense variant.
Genome position (GRCh38, 1-based): chrX:153,929,995, C>T on the plus strand (G>A on the coding strand, the complement: NAA10 is on the minus strand). VCF-style: chrX-153929995-C-T. GRCh37 (hg19) VCF-style: chrX-153195448-C-T.
Other names: c.655G>A, p.Ala219Thr (NM_001256119.2); c.682G>A, p.Ala228Thr (NM_001256120.2); short protein forms A219T, A228T, A234T.
Identifiers: ClinVar variation 4976393 (VCV004976393.1).
Genomic context (GRCh38, chrX:153,929,995, plus strand): 5'-GGAGCGAATTTATTGTGAAAGCTCGTGGGGTGAGGAGGGGATGGGGCAGGCTCTAGGAGG[C>T]TGAGTCGGAGGCCTCTGAGCTGTCCTTGACATCTGTGCTCTCTGTGGTCTCGCTGACCTC-3'
Protein context (NP_003482.1, residues 224-235): VKDSSEASDS[Ala234Thr]S